The following is an entry in ClinVar:

ClinVar aggregate classification (germline): Benign. Review status: criteria provided, multiple submitters, no conflicts (2 of 4 stars). 2 submissions from 2 submitters: Benign (2). Last evaluated 2026-01-20.

Conditions:
Retinitis pigmentosa (RP). Identifiers: Orphanet 791, MedGen C0035334, MeSH D012174, MONDO:0019200, OMIM 268000. Inheritance: Autosomal dominant, autosomal recessive and X linked inheritance.

Allele frequency attached by ClinVar (database versions not stated): gnomAD exomes 0.00026 and 0.00079; ExAC 0.00095; gnomAD 0.00291 and 0.00317; 1000 Genomes Project 0.00300; 1000 Genomes Project 30x 0.00344; TOPMed 0.00348; ESP Exome Variant Server 0.00362.

Submissions (2):

Labcorp Genetics (formerly Invitae), Labcorp
Classification: Benign. Last evaluated: 2026-01-20. Review status: criteria provided, single submitter. Criteria: Invitae Variant Classification Sherloc (09022015). Collection method: clinical testing. Allele origin: germline.

Illumina Laboratory Services, Illumina
Classification: Benign for Retinitis pigmentosa. Last evaluated: 2017-04-28. Review status: criteria provided, single submitter. Criteria: ICSL Variant Classification Criteria 13 December 2019. Collection method: clinical testing. Allele origin: germline.
Comment: This variant was observed as part of a predisposition screen in an ostensibly healthy population. A literature search was performed for the gene, cDNA change, and amino acid change (where applicable). Publications were found based on this search. The evidence from the literature, in combination with allele frequency data from public databases where available, was sufficient to rule this variant out of causing disease. Therefore, this variant is classified as benign.

Literature cited by the submitters: PubMed 21067480 (cited by Illumina Laboratory Services, Illumina); PubMed 19074801 (cited by Illumina Laboratory Services, Illumina).

NM_002900.3(RBP3):c.924G>A (p.Pro308=)

Gene: RBP3 (retinol binding protein 3; plus strand). Cytogenetic location: 10q11.22.
Variant type: single nucleotide variant.
Coding change: c.924G>A on transcript NM_002900.3 (MANE Select); coding-DNA position 924, G replaced by A.
Protein change: p.Pro308=; no amino-acid change (proline 308 retained).
Molecular consequence: synonymous variant.
Genome position (GRCh38, 1-based): chr10:47,349,408, G>A. VCF-style: chr10-47349408-G-A. GRCh37 (hg19) VCF-style: chr10-48389954-C-T.
Identifiers: ClinVar variation 716931 (VCV000716931.14), dbSNP rs35746996, ClinGen allele CA5487655.